The following is an entry in ClinVar:

NM_177531.6(PKHD1L1):c.769delinsTTT (p.Val257fs)

Gene: PKHD1L1 (PKHD1 like 1; plus strand). Cytogenetic location: 8q23.1.
Variant type: Indel.
Coding change: c.769delinsTTT on transcript NM_177531.6 (MANE Select); coding-DNA position 769, G replaced by TTT.
Protein change: p.Val257fs; shifts the reading frame from valine 257.
Molecular consequence: frameshift variant.
Genome position (GRCh38, 1-based): chr8:109,394,443, G replaced by TTT. VCF-style: chr8-109394443-G-TTT. GRCh37 (hg19) VCF-style: chr8-110406672-G-TTT.
Other names: short protein forms V257fs.
Identifiers: ClinVar variation 4849331 (VCV004849331.1).
Genomic context (GRCh38, chr8:109,394,443, plus strand): 5'-TTAAAGCAGAAAATTTAATCTTTTTTTAACAGGAGTTTTCCACAGAAAATGGCATATTTT[G>TTT]TTTCTTCTCTCAATAAAATTGCAATGTTTCAAACATATGCAGGTATGTGACTTTTCTTTC-3'

ClinVar aggregate classification (germline): Likely pathogenic (1 of 4 stars; one submission).

Conditions:
Autosomal recessive nonsyndromic hearing loss 124. Also called: DEAFNESS, AUTOSOMAL RECESSIVE 124. Identifiers: MedGen C5935612, MONDO:0968981, OMIM 620794.

Submission:

First Genomix Gene Laboratory, Genetic Diagnostics Department
Classification: Likely pathogenic for Autosomal recessive nonsyndromic hearing loss 124. Last evaluated: 2025-11-13. Review status: criteria provided, single submitter. Criteria: ACMG Guidelines, 2015. Collection method: clinical testing. Allele origin: germline. Inheritance: Autosomal recessive inheritance. Affected: no. Observed: 1 variant allele.